The following is an entry in ClinVar:

ClinVar aggregate classification (germline): Uncertain significance (1 of 4 stars; one submission).

Allele frequency attached by ClinVar (database versions not stated): 1000 Genomes Project 30x 0.00031; 1000 Genomes Project 0.00040; gnomAD 0.00078; TOPMed 0.00085; ExAC 0.00104; ESP Exome Variant Server 0.00139.
gnomAD v4.1: 2,214 of 1,609,382 alleles (0.14%); highest among the groups gnomAD compares: Non-Finnish European, 0.18%; 2 homozygotes.

Submission:

GeneDx
Classification: Uncertain significance. Last evaluated: 2022-10-31. Review status: criteria provided, single submitter. Criteria: GeneDx Variant Classification Process June 2021. Collection method: clinical testing. Allele origin: germline. Affected: yes.
Comment: In silico analysis supports that this missense variant has a deleterious effect on protein structure/function; Has not been previously published as pathogenic or benign to our knowledge

NM_018161.5(NADSYN1):c.835C>T (p.Arg279Trp)

Gene: NADSYN1 (NAD synthetase 1; plus strand). Cytogenetic location: 11q13.4.
Variant type: single nucleotide variant.
Coding change: c.835C>T on transcript NM_018161.5 (MANE Select); coding-DNA position 835, C replaced by T.
Protein change: p.Arg279Trp; replaces arginine 279 with tryptophan.
Molecular consequence: missense variant.
Genome position (GRCh38, 1-based): chr11:71,478,431, C>T. VCF-style: chr11-71478431-C-T. GRCh37 (hg19) VCF-style: chr11-71189477-C-T.
Other names: short protein forms R279W.
Identifiers: ClinVar variation 2501595 (VCV002501595.1), dbSNP rs147929525, ClinGen allele CA6163245.
Genomic context (GRCh38, chr11:71,478,431, plus strand): 5'-TCTCTTTGAAATTTCCTTCTCCAGGAAGTCCTGACGGCCACGCTGGATCTGGAGGACGTC[C>T]GGAGCTACAGGGCGGAGATTTCATCTCGAAACCTGGCGGTGAGTGCTCCAGTAGACACCT-3'
Protein context (NP_060631.2, residues 269-289): LTATLDLEDV[Arg279Trp]SYRAEISSRN